The following is an entry in ClinVar:

ClinVar aggregate classification (germline): Conflicting classifications of pathogenicity. Review status: criteria provided, conflicting classifications (1 of 4 stars). 3 submissions from 3 submitters: Uncertain significance (2); Likely benign (1). Last evaluated 2025-11-24.

Conditions:
Hereditary cancer-predisposing syndrome. Also called: Tumor predisposition; Hereditary neoplastic syndrome; Hereditary Cancer Syndrome; Neoplastic Syndromes, Hereditary. Identifiers: Orphanet 140162, MedGen C0027672, MeSH D009386, MONDO:0015356.

Allele frequency attached by ClinVar (database versions not stated): gnomAD 0.00001; gnomAD exomes 0.00002.
gnomAD v4.1: 10 of 1,614,140 alleles (0.00062%); highest among the groups gnomAD compares: Admixed American, 0.0033%; no homozygotes.

Submissions (3):

Labcorp Genetics (formerly Invitae), Labcorp
Classification: Uncertain significance. Last evaluated: 2025-11-24. Review status: criteria provided, single submitter. Criteria: Invitae Variant Classification Sherloc (09022015). Collection method: clinical testing. Allele origin: germline.
Comment: This sequence change replaces serine, which is neutral and polar, with leucine, which is neutral and non-polar, at codon 299 of the SMARCB1 protein (p.Ser299Leu). This variant is present in population databases (no rsID available, gnomAD 0.005%). This variant has not been reported in the literature in individuals affected with SMARCB1-related conditions. ClinVar contains an entry for this variant (Variation ID: 937299). Invitae Evidence Modeling of protein sequence and biophysical properties (such as structural, functional, and spatial information, amino acid conservation, physicochemical variation, residue mobility, and thermodynamic stability) indicates that this missense variant is not expected to disrupt SMARCB1 protein function with a negative predictive value of 80%. In summary, the available evidence is currently insufficient to determine the role of this variant in disease. Therefore, it has been classified as a Variant of Uncertain Significance.

GeneDx
Classification: Uncertain significance. Last evaluated: 2024-09-11. Review status: criteria provided, single submitter. Criteria: GeneDx Variant Classification Process June 2021. Collection method: clinical testing. Allele origin: germline. Affected: yes.
Comment: Has not been previously published as pathogenic or benign to our knowledge; This variant is associated with the following publications: (PMID: 26073604)

Ambry Genetics
Classification: Likely benign for Hereditary cancer-predisposing syndrome. Last evaluated: 2023-11-15. Review status: criteria provided, single submitter. Criteria: Ambry Variant Classification Scheme 2023. Collection method: clinical testing. Allele origin: germline.

NM_003073.5(SMARCB1):c.896C>T (p.Ser299Leu)

Gene: SMARCB1 (SWI/SNF related BAF chromatin remodeling complex subunit B1; plus strand). Cytogenetic location: 22q11.23.
Variant type: single nucleotide variant.
Coding change: c.896C>T on transcript NM_003073.5 (MANE Select); coding-DNA position 896, C replaced by T.
Protein change: p.Ser299Leu; replaces serine 299 with leucine.
Molecular consequence: missense variant.
Genome position (GRCh38, 1-based): chr22:23,825,325, C>T. VCF-style: chr22-23825325-C-T. GRCh37 (hg19) VCF-style: chr22-24167512-C-T.
Other names: c.869C>T, p.Ser290Leu (NM_001007468.3); c.923C>T, p.Ser308Leu (NM_001317946.2); c.950C>T, p.Ser317Leu (NM_001362877.2); short protein forms S290L, S308L, S317L, S299L.
Identifiers: ClinVar variation 937299 (VCV000937299.11), dbSNP rs1362758319, ClinGen allele CA410907395.